The following is an entry in ClinVar:

NM_000051.4(ATM):c.2173G>A (p.Val725Ile)

Gene: ATM (ATM serine/threonine kinase; plus strand). Cytogenetic location: 11q22.3.
Variant type: single nucleotide variant.
Coding change: c.2173G>A on transcript NM_000051.4 (MANE Select); coding-DNA position 2173, G replaced by A.
Protein change: p.Val725Ile; replaces valine 725 with isoleucine.
Molecular consequence: missense variant.
Genome position (GRCh38, 1-based): chr11:108,256,263, G>A. VCF-style: chr11-108256263-G-A. GRCh37 (hg19) VCF-style: chr11-108126990-G-A.
Other names: c.2173G>A, p.Val725Ile (NM_001351834.2); short protein forms V725I.
Identifiers: ClinVar variation 1524715 (VCV001524715.11), dbSNP rs1272918725, ClinGen allele CA382538805.
Genomic context (GRCh38, chr11:108,256,263, plus strand): 5'-GTTTACTTTAAGATTACAAATTCAGAAACTCTTGTCCGGTGTTCACGTCTTTTGGTGGGT[G>A]TCCTTGGCTGCTACTGTTACATGGGTGTAATAGCTGAAGAGGAAGCATATAAGTCAGAAT-3'
Protein context (NP_000042.3, residues 715-735): LVRCSRLLVG[Val725Ile]LGCYCYMGVI

ClinVar aggregate classification (germline): Uncertain significance. Review status: criteria provided, multiple submitters, no conflicts (2 of 4 stars). 2 submissions from 2 submitters: Uncertain significance (2). Last evaluated 2025-03-27.

Conditions:
Hereditary cancer-predisposing syndrome. Also called: Tumor predisposition; Hereditary neoplastic syndrome; Neoplastic Syndromes, Hereditary; Hereditary Cancer Syndrome. Identifiers: Orphanet 140162, MedGen C0027672, MeSH D009386, MONDO:0015356.
Ataxia-telangiectasia syndrome (AT). Also called: Ataxia-telangiectasia, complementation group E; Cerebello-oculocutaneous telangiectasia; Immunodeficiency with ataxia telangiectasia; ATAXIA-TELANGIECTASIA, COMPLEMENTATION GROUP A; ATAXIA-TELANGIECTASIA, FRESNO VARIANT; Ataxia-telangiectasia, complementation group D. Identifiers: Orphanet 100, MedGen C0004135, MONDO:0008840, OMIM 208900.

Allele frequency attached by ClinVar (database versions not stated): gnomAD exomes below 0.00001.
gnomAD v4.1: 1 of 1,610,760 alleles (0.000062%); highest among the groups gnomAD compares: South Asian, 0.0011%; no homozygotes.

Submissions (2):

Ambry Genetics
Classification: Uncertain significance for Hereditary cancer-predisposing syndrome. Last evaluated: 2025-03-27. Review status: criteria provided, single submitter. Criteria: Ambry Variant Classification Scheme 2023. Collection method: clinical testing. Allele origin: germline.
Comment: The p.V725I variant (also known as c.2173G>A), located in coding exon 13 of the ATM gene, results from a G to A substitution at nucleotide position 2173. The valine at codon 725 is replaced by isoleucine, an amino acid with highly similar properties. This amino acid position is highly conserved in available vertebrate species. In addition, the in silico prediction for this alteration is inconclusive. Based on the available evidence, the clinical significance of this variant remains unclear.

Labcorp Genetics (formerly Invitae), Labcorp
Classification: Uncertain significance for Ataxia-telangiectasia syndrome. Last evaluated: 2024-06-16. Review status: criteria provided, single submitter. Criteria: Invitae Variant Classification Sherloc (09022015). Collection method: clinical testing. Allele origin: germline.
Comment: This sequence change replaces valine, which is neutral and non-polar, with isoleucine, which is neutral and non-polar, at codon 725 of the ATM protein (p.Val725Ile). The frequency data for this variant in the population databases is considered unreliable, as metrics indicate poor data quality at this position in the gnomAD database. This variant has not been reported in the literature in individuals affected with ATM-related conditions. ClinVar contains an entry for this variant (Variation ID: 1524715). An algorithm developed to predict the effect of missense changes on protein structure and function (PolyPhen-2) suggests that this variant is likely to be tolerated. In summary, the available evidence is currently insufficient to determine the role of this variant in disease. Therefore, it has been classified as a Variant of Uncertain Significance.